The following is an entry in ClinVar:

ClinVar aggregate classification (germline): Pathogenic (1 of 4 stars; one submission).

Submission:

GeneDx
Classification: Pathogenic. Last evaluated: 2016-11-29. Review status: criteria provided, single submitter. Criteria: GeneDx Variant Classification (06012015). Collection method: clinical testing. Allele origin: germline. Affected: yes.
Comment: The c.549dupT pathogenic variant in the OFD1 gene causes a frameshift starting with codon Alanine 184, changes this amino acid to a Cysteine residue and creates a premature Stop codon at position 19 of the new reading frame, denoted p.Ala184CysfsX19. The variant was not observed in approximately 6,500 individuals of European and African American ancestry in the NHLBI Exome Sequencing Project, indicating it is not a common benign variant in these populations. This pathogenic variant is predicted to cause loss of normal protein function either through protein truncation or nonsense-mediated mRNA decay.

NM_003611.3(OFD1):c.549dup (p.Ala184fs)

Gene: OFD1 (OFD1 centriole and centriolar satellite protein; plus strand). Cytogenetic location: Xp22.2.
Variant type: Duplication.
Coding change: c.549dup on transcript NM_003611.3 (MANE Select); coding-DNA position 549, one base duplicated (T; older notation c.549dupT).
Protein change: p.Ala184fs; shifts the reading frame from alanine 184.
Molecular consequence: frameshift variant.
Genome position (GRCh38, 1-based): chrX:13,746,350, T duplicated; the last of 3 consecutive T bases (chrX:13,746,348-13,746,350); duplicating any one gives the same sequence. VCF-style (leftmost placement, unchanged base first): chrX-13746347-G-GT. GRCh37 (hg19) VCF-style: chrX-13764466-G-GT.
Other names: c.549dup, p.Ala184fs (NM_001330209.2); c.129dup, p.Ala44fs (NM_001330210.2); short protein forms A44fs, A184fs.
Identifiers: ClinVar variation 373644 (VCV000373644.2), dbSNP rs1057518526, ClinGen allele CA16043178.